The following is an entry in ClinVar:

NM_004370.6(COL12A1):c.3730A>G (p.Ser1244Gly)

Gene: COL12A1 (collagen type XII alpha 1 chain; minus strand). Cytogenetic location: 6q13.
Variant type: single nucleotide variant.
Coding change: c.3730A>G on transcript NM_004370.6 (MANE Select); coding-DNA position 3730, A replaced by G.
Protein change: p.Ser1244Gly; replaces serine 1244 with glycine.
Molecular consequence: missense variant.
Genome position (GRCh38, 1-based): chr6:75,152,236, T>C on the plus strand (A>G on the coding strand, the complement: COL12A1 is on the minus strand). VCF-style: chr6-75152236-T-C. GRCh37 (hg19) VCF-style: chr6-75861952-T-C.
Other names: p.Ser1244Gly; c.3730A>G, p.Ser1244Gly (NM_001424113.1, NM_001424114.1); c.3457A>G, p.Ser1153Gly (NM_001424115.1); c.238A>G, p.Ser80Gly (NM_001424116.1, NM_080645.3); short protein forms S1153G, S1244G, S80G.
Identifiers: ClinVar variation 2682937 (VCV002682937.1), dbSNP rs2533401009, ClinGen allele CA364749686.

ClinVar aggregate classification (germline): Uncertain significance (1 of 4 stars; one submission).

Submission:

Mayo Clinic Laboratories, Mayo Clinic
Classification: Uncertain significance. Last evaluated: 2023-04-25. Review status: criteria provided, single submitter. Criteria: ACMG Guidelines, 2015. Collection method: clinical testing. Allele origin: germline. Observed: 1 variant allele.
Comment: PM2_supporting